The following is an entry in ClinVar:

ClinVar aggregate classification (germline): Uncertain significance (1 of 4 stars; one submission).

Conditions:
Ullrich congenital muscular dystrophy 2 (UCMD2). Identifiers: Orphanet 75840, MedGen C4225314, MONDO:0014654, OMIM 616470.
Bethlem myopathy 2 (BTHLM2). Identifiers: Orphanet 536516, Orphanet 610, MedGen C4225313, MONDO:0034022, OMIM 616471.

gnomAD v4.1: 1 of 1,614,026 alleles (0.000062%); highest among the groups gnomAD compares: Non-Finnish European, 0.000085%; no homozygotes.

Submission:

Labcorp Genetics (formerly Invitae), Labcorp
Classification: Uncertain significance for Bethlem myopathy 2; Ullrich congenital muscular dystrophy 2. Last evaluated: 2025-04-10. Review status: criteria provided, single submitter. Criteria: Invitae Variant Classification Sherloc (09022015). Collection method: clinical testing. Allele origin: germline.
Comment: This sequence change replaces serine, which is neutral and polar, with asparagine, which is neutral and polar, at codon 683 of the COL12A1 protein (p.Ser683Asn). This variant is present in population databases (no rsID available, gnomAD 0.0009%). This variant has not been reported in the literature in individuals affected with COL12A1-related conditions. Invitae Evidence Modeling of protein sequence and biophysical properties (such as structural, functional, and spatial information, amino acid conservation, physicochemical variation, residue mobility, and thermodynamic stability) indicates that this missense variant is not expected to disrupt COL12A1 protein function with a negative predictive value of 80%. In summary, the available evidence is currently insufficient to determine the role of this variant in disease. Therefore, it has been classified as a Variant of Uncertain Significance.

NM_004370.6(COL12A1):c.2048G>A (p.Ser683Asn)

Gene: COL12A1 (collagen type XII alpha 1 chain; minus strand). Cytogenetic location: 6q13.
Variant type: single nucleotide variant.
Coding change: c.2048G>A on transcript NM_004370.6 (MANE Select); coding-DNA position 2048, G replaced by A.
Protein change: p.Ser683Asn; replaces serine 683 with asparagine.
Molecular consequence: missense variant. On other transcripts: intron variant (2).
Genome position (GRCh38, 1-based): chr6:75,181,055, C>T on the plus strand (G>A on the coding strand, the complement: COL12A1 is on the minus strand). VCF-style: chr6-75181055-C-T. GRCh37 (hg19) VCF-style: chr6-75890771-C-T.
Other names: c.2048G>A, p.Ser683Asn (NM_001424113.1, NM_001424114.1, NM_001424115.1); c.73+21665G>A (NM_001424116.1, NM_080645.3); short protein forms S683N.
Identifiers: ClinVar variation 4787837 (VCV004787837.1).